The following is an entry in ClinVar:

ClinVar aggregate classification (germline): Conflicting classifications of pathogenicity. Review status: criteria provided, conflicting classifications (1 of 4 stars). 4 submissions from 3 submitters: Uncertain significance (1); Benign (2); Likely benign (1). Last evaluated 2025-07-17.

Conditions:
Bronchiectasis with or without elevated sweat chloride 2 (BESC2). Identifiers: Orphanet 60033, MedGen C2751666, MONDO:0013087, OMIM 613021.
Pseudohypoaldosteronism, type IB1, autosomal recessive. Also called: Autosomal recessive pseudohypoaldosteronism type 1; PHA I, AUTOSOMAL RECESSIVE; Pseudohypoaldosteronism, Type I, Autosomal Recessive; Pseudohypoaldosteronism, Type I, Recessive. Identifiers: Orphanet 171876, Orphanet 756, MedGen C5774176, MONDO:0009917, OMIM 264350.

Allele frequency attached by ClinVar (database versions not stated): ESP Exome Variant Server 0.00015; gnomAD 0.00019 and 0.00026; gnomAD exomes 0.00027 and 0.00058; TOPMed 0.00030; 1000 Genomes Project 30x 0.00031; 1000 Genomes Project 0.00040; ExAC 0.00069.
gnomAD v4.1: 444 of 1,613,786 alleles (0.028%); highest among the groups gnomAD compares: East Asian, 0.32%; 2 homozygotes.

Submissions (4):

Labcorp Genetics (formerly Invitae), Labcorp
Classification: Benign. Last evaluated: 2025-07-17. Review status: criteria provided, single submitter. Criteria: Invitae Variant Classification Sherloc (09022015). Collection method: clinical testing. Allele origin: germline.

Blueprint Genetics
Classification: Likely benign. Last evaluated: 2024-11-11. Review status: criteria provided, single submitter. Criteria: ACMG Guidelines, 2015. Collection method: clinical testing. Allele origin: germline.

Illumina Laboratory Services, Illumina
Classification: Uncertain significance for Pseudohypoaldosteronism, type IB1, autosomal recessive. Last evaluated: 2018-01-12. Review status: criteria provided, single submitter. Criteria: ICSL Variant Classification Criteria 13 December 2019. Collection method: clinical testing. Allele origin: germline.

Illumina Laboratory Services, Illumina
Classification: Benign for Bronchiectasis with or without elevated sweat chloride 2. Last evaluated: 2018-01-12. Review status: criteria provided, single submitter. Criteria: ICSL Variant Classification Criteria 13 December 2019. Collection method: clinical testing. Allele origin: germline.
Comment: This variant was observed in the ICSL laboratory as part of a predisposition screen in an ostensibly healthy population. It had not been previously curated by ICSL or reported in the Human Gene Mutation Database (HGMD: prior to June 1st, 2018), and was therefore a candidate for classification through an automated scoring system. Utilizing variant allele frequency, disease prevalence and penetrance estimates, and inheritance mode, an automated score was calculated to assess if this variant is too frequent to cause the disease. Based on the score and internal cut-off values, a variant classified as benign is not then subjected to further curation. The score for this variant resulted in a classification of benign for this disease.

NM_001038.6(SCNN1A):c.1497+6G>C

Gene: SCNN1A (sodium channel epithelial 1 subunit alpha; minus strand). Cytogenetic location: 12p13.31.
Variant type: single nucleotide variant.
Coding change: c.1497+6G>C on transcript NM_001038.6 (MANE Select); 6 bases into the intron after coding-DNA position 1497, G replaced by C.
Molecular consequence: intron variant.
Genome position (GRCh38, 1-based): chr12:6,349,158, C>G on the plus strand (G>C on the coding strand, the complement: SCNN1A is on the minus strand). VCF-style: chr12-6349158-C-G. GRCh37 (hg19) VCF-style: chr12-6458324-C-G.
Other names: c.1566+6G>C (NM_001159575.2); c.1674+6G>C (NM_001159576.2).
Identifiers: ClinVar variation 310136 (VCV000310136.14), dbSNP rs144275086, ClinGen allele CA6405829.